The following is an entry in ClinVar:

NM_001482.3(GATM):c.*913G>A

Gene: GATM (glycine amidinotransferase; minus strand). Cytogenetic location: 15q21.1.
Variant type: single nucleotide variant.
Coding change: c.*913G>A on transcript NM_001482.3 (MANE Select); 913 bases downstream of the stop codon, G replaced by A.
Molecular consequence: 3 prime UTR variant.
Genome position (GRCh38, 1-based): chr15:45,361,196, C>T on the plus strand (G>A on the coding strand, the complement: GATM is on the minus strand). VCF-style: chr15-45361196-C-T. GRCh37 (hg19) VCF-style: chr15-45653394-C-T.
Other names: c.*913G>A (NM_001321015.2).
Identifiers: ClinVar variation 316201 (VCV000316201.6), dbSNP rs17618637, ClinGen allele CA10646087.

ClinVar aggregate classification (germline): Benign. Review status: criteria provided, multiple submitters, no conflicts (2 of 4 stars). 2 submissions from 2 submitters: Benign (2). Last evaluated 2018-01-13.

Conditions:
Arginine:glycine amidinotransferase deficiency (CCDS3). Also called: Creatine deficiency syndrome due to AGAT deficiency; GATM deficiency; Cerebral creatine deficiency syndrome 3; L-Arginine:Glycine Amidinotransferase (AGAT) Deficiency; AGAT deficiency; L-Arginine:Glycine Amidinotransferase Deficiency. Identifiers: Orphanet 35704, MedGen C2675179, MONDO:0012996, OMIM 612718.

Allele frequency attached by ClinVar (database versions not stated): 1000 Genomes Project 0.05531; 1000 Genomes Project 30x 0.05559; gnomAD 0.08506 and 0.08643; TOPMed 0.08678.

Submissions (2):

Illumina Laboratory Services, Illumina
Classification: Benign for Arginine:glycine amidinotransferase deficiency. Last evaluated: 2018-01-13. Review status: criteria provided, single submitter. Criteria: ICSL Variant Classification Criteria 13 December 2019. Collection method: clinical testing. Allele origin: germline.
Comment: This variant was observed in the ICSL laboratory as part of a predisposition screen in an ostensibly healthy population. It had not been previously curated by ICSL or reported in the Human Gene Mutation Database (HGMD: prior to June 1st, 2018), and was therefore a candidate for classification through an automated scoring system. Utilizing variant allele frequency, disease prevalence and penetrance estimates, and inheritance mode, an automated score was calculated to assess if this variant is too frequent to cause the disease. Based on the score and internal cut-off values, a variant classified as benign is not then subjected to further curation. The score for this variant resulted in a classification of benign for this disease.

Breakthrough Genomics
Classification: Benign. Review status: criteria provided, single submitter. Criteria: ACMG Guidelines, 2015. Collection method: not provided. Allele origin: germline. Inheritance: Autosomal recessive inheritance. Affected: yes.